The following is an entry in ClinVar:

ClinVar aggregate classification (germline): Uncertain significance (1 of 4 stars; one submission).

Submission:

Labcorp Genetics (formerly Invitae), Labcorp
Classification: Uncertain significance. Last evaluated: 2024-07-14. Review status: criteria provided, single submitter. Criteria: Invitae Variant Classification Sherloc (09022015). Collection method: clinical testing. Allele origin: germline.
Comment: This sequence change replaces glutamine, which is neutral and polar, with arginine, which is basic and polar, at codon 290 of the MICAL1 protein (p.Gln290Arg). This variant is not present in population databases (gnomAD no frequency). This variant has not been reported in the literature in individuals affected with MICAL1-related conditions. An algorithm developed to predict the effect of missense changes on protein structure and function (PolyPhen-2) suggests that this variant is likely to be tolerated. In summary, the available evidence is currently insufficient to determine the role of this variant in disease. Therefore, it has been classified as a Variant of Uncertain Significance.

NM_022765.4(MICAL1):c.812A>G (p.Gln271Arg)

Gene: MICAL1 (microtubule associated monooxygenase, calponin and LIM domain containing 1; minus strand). Cytogenetic location: 6q21.
Variant type: single nucleotide variant.
Coding change: c.812A>G on transcript NM_022765.4 (MANE Select); coding-DNA position 812, A replaced by G.
Protein change: p.Gln271Arg; replaces glutamine 271 with arginine.
Molecular consequence: missense variant.
Genome position (GRCh38, 1-based): chr6:109,452,266, T>C on the plus strand (A>G on the coding strand, the complement: MICAL1 is on the minus strand). VCF-style: chr6-109452266-T-C. GRCh37 (hg19) VCF-style: chr6-109773469-T-C.
Other names: c.812A>G, p.Gln271Arg (NM_001159291.2); c.869A>G, p.Gln290Arg (NM_001286613.2); short protein forms Q271R, Q290R.
Identifiers: ClinVar variation 2988541 (VCV002988541.3), dbSNP rs2482808953, ClinGen allele CA365232508.
Genomic context (GRCh38, chr6:109,452,266, plus strand): 5'-CAGGCAGGGGGAGGGGAAATTCAGCAAGAGGGTCCCTGACCTGTGGCTTTGAGAAGGCTC[T>C]GGAAGAAGCTCTGGTTGTAGATCCTGGCTACACCACTGATCTCCGGCACCTGTGTCTCCT-3'
Protein context (NP_073602.3, residues 261-281): VARIYNQSFF[Gln271Arg]SLLKATGIDL